The following is an entry in ClinVar:

ClinVar aggregate classification (germline): Uncertain significance. Review status: criteria provided, multiple submitters, no conflicts (2 of 4 stars). 3 submissions from 3 submitters: Uncertain significance (3). Last evaluated 2024-01-25.

Conditions:
Hereditary cancer-predisposing syndrome. Also called: Tumor predisposition; Neoplastic Syndromes, Hereditary; Hereditary Cancer Syndrome; Hereditary neoplastic syndrome. Identifiers: Orphanet 140162, MedGen C0027672, MeSH D009386, MONDO:0015356.
Neuroblastoma, susceptibility to, 3. Also called: ALK-Related Neuroblastic Tumor Susceptibility. Identifiers: Orphanet 635, MedGen C2751681, MONDO:0013083, OMIM 613014.

Submissions (3):

Ambry Genetics
Classification: Uncertain significance for Hereditary cancer-predisposing syndrome. Last evaluated: 2024-01-25. Review status: criteria provided, single submitter. Criteria: Ambry Variant Classification Scheme 2023. Collection method: clinical testing. Allele origin: germline.
Comment: The p.D769G variant (also known as c.2306A>G), located in coding exon 13 of the ALK gene, results from an A to G substitution at nucleotide position 2306. The aspartic acid at codon 769 is replaced by glycine, an amino acid with similar properties. This amino acid position is conserved. In addition, the in silico prediction for this alteration is inconclusive. Based on the available evidence, the clinical significance of this alteration remains unclear.

Baylor Genetics
Classification: Uncertain significance for Neuroblastoma, susceptibility to, 3. Last evaluated: 2023-09-06. Review status: criteria provided, single submitter. Criteria: ACMG Guidelines, 2015. Collection method: clinical testing. Allele origin: unknown.

Labcorp Genetics (formerly Invitae), Labcorp
Classification: Uncertain significance for Neuroblastoma, susceptibility to, 3. Last evaluated: 2023-09-06. Review status: criteria provided, single submitter. Criteria: Invitae Variant Classification Sherloc (09022015). Collection method: clinical testing. Allele origin: germline.
Comment: This sequence change replaces aspartic acid, which is acidic and polar, with glycine, which is neutral and non-polar, at codon 769 of the ALK protein (p.Asp769Gly). An algorithm developed to predict the effect of missense changes on protein structure and function (PolyPhen-2) suggests that this variant is likely to be disruptive. In summary, the available evidence is currently insufficient to determine the role of this variant in disease. Therefore, it has been classified as a Variant of Uncertain Significance. This variant has not been reported in the literature in individuals affected with ALK-related conditions. This variant is not present in population databases (gnomAD no frequency).

NM_004304.5(ALK):c.2306A>G (p.Asp769Gly)

Gene: ALK (ALK receptor tyrosine kinase; minus strand). Cytogenetic location: 2p23.2.
Variant type: single nucleotide variant.
Coding change: c.2306A>G on transcript NM_004304.5 (MANE Select); coding-DNA position 2306, A replaced by G.
Protein change: p.Asp769Gly; replaces aspartic acid 769 with glycine.
Molecular consequence: missense variant.
Genome position (GRCh38, 1-based): chr2:29,239,729, T>C on the plus strand (A>G on the coding strand, the complement: ALK is on the minus strand). VCF-style: chr2-29239729-T-C. GRCh37 (hg19) VCF-style: chr2-29462595-T-C.
Other names: c.2306A>G (NM_004304.4); short protein forms D769G.
Identifiers: ClinVar variation 2675923 (VCV002675923.5), dbSNP rs1205473928, ClinGen allele CA346474379.